The following is an entry in ClinVar:

NM_001397406.1(FDX2):c.201-8G>A

Genes: FDX2 (ferredoxin 2; minus strand), FDX2-ZGLP1 (FDX2-ZGLP1 readthrough (NMD candidate); minus strand). Cytogenetic location: 19p13.2.
Variant type: single nucleotide variant.
Coding change: c.201-8G>A on transcript NM_001397406.1 (MANE Select); 8 bases into the intron before coding-DNA position 201, G replaced by A.
Molecular consequence: intron variant.
Genome position (GRCh38, 1-based): chr19:10,315,500, C>T on the plus strand (G>A on the coding strand, the complement: FDX2 is on the minus strand). VCF-style: chr19-10315500-C-T. GRCh37 (hg19) VCF-style: chr19-10426176-C-T.
Identifiers: ClinVar variation 1210811 (VCV001210811.13), dbSNP rs201352690, ClinGen allele CA9191277.

ClinVar aggregate classification (germline): Conflicting classifications of pathogenicity. Review status: criteria provided, conflicting classifications (1 of 4 stars). 2 submissions from 2 submitters: Uncertain significance (1); Benign (1). Last evaluated 2026-01-19.

Allele frequency attached by ClinVar (database versions not stated): ExAC 0.00016; gnomAD exomes 0.00016; gnomAD 0.00053 and 0.00056; ESP Exome Variant Server 0.00054; TOPMed 0.00061; 1000 Genomes Project 0.00100; 1000 Genomes Project 30x 0.00109.
gnomAD v4.1: 158 of 1,612,958 alleles (0.0098%); highest among the groups gnomAD compares: African/African-American, 0.19%; no homozygotes.

Submissions (2):

Labcorp Genetics (formerly Invitae), Labcorp
Classification: Benign. Last evaluated: 2026-01-19. Review status: criteria provided, single submitter. Criteria: Invitae Variant Classification Sherloc (09022015). Collection method: clinical testing. Allele origin: germline.

GeneDx
Classification: Uncertain significance. Last evaluated: 2025-05-12. Review status: criteria provided, single submitter. Criteria: GeneDx Variant Classification Process June 2021. Collection method: clinical testing. Allele origin: germline. Affected: yes.
Comment: In silico analysis suggests that this variant does not alter splicing; Has not been previously published as pathogenic or benign to our knowledge